The following is an entry in ClinVar:

ClinVar aggregate classification (germline): Likely pathogenic (1 of 4 stars; one submission).

Conditions:
Autosomal recessive limb-girdle muscular dystrophy type 2J (LGMDR10). Also called: Limb-girdle muscular dystrophy, type 2J; MUSCULAR DYSTROPHY, LIMB-GIRDLE, AUTOSOMAL RECESSIVE 10. Identifiers: Orphanet 140922, MedGen C1837342, MONDO:0012127, OMIM 608807.
Dilated cardiomyopathy 1G (CMD1G). Identifiers: Orphanet 154, MedGen C1858763, MONDO:0011400, OMIM 604145.

Submission:

Labcorp Genetics (formerly Invitae), Labcorp
Classification: Likely pathogenic for Dilated cardiomyopathy 1G; Autosomal recessive limb-girdle muscular dystrophy type 2J. Last evaluated: 2024-05-09. Review status: criteria provided, single submitter. Criteria: Invitae Variant Classification Sherloc (09022015). Collection method: clinical testing. Allele origin: germline.
Comment: This sequence change creates a premature translational stop signal (p.Leu26036Phefs*38) in the TTN gene. While this is not anticipated to result in nonsense mediated decay, it is expected to create a truncated TTN protein. This variant is not present in population databases (gnomAD no frequency). This variant has not been reported in the literature in individuals affected with TTN-related conditions. This variant is located in the A band of TTN (PMID: 25589632). Truncating variants in this region are significantly overrepresented in patients affected with dilated cardiomyopathy (PMID: 25589632). Truncating variants in this region have also been reported in individuals affected with autosomal recessive centronuclear myopathy (PMID: 23975875). In summary, the currently available evidence indicates that the variant is pathogenic, but additional data are needed to prove that conclusively. Therefore, this variant has been classified as Likely Pathogenic.

Literature cited by the submitters: PubMed 25589632; PubMed 23975875.

NM_001267550.2(TTN):c.78108del (p.Leu26036fs)

Genes: TTN-AS1 (TTN antisense RNA 1; plus strand), TTN (titin; minus strand). Cytogenetic location: 2q31.2.
Variant type: Deletion.
Coding change: c.78108del on transcript NM_001267550.2 (MANE Select); coding-DNA position 78108, one base deleted (G; older notation c.78108delG).
Protein change: p.Leu26036fs; shifts the reading frame from leucine 26036.
Molecular consequence: frameshift variant.
Genome position (GRCh38, 1-based): chr2:178,568,024, C deleted on the plus strand (G on the coding strand, the reverse complement: TTN is on the minus strand). VCF-style (leftmost placement, unchanged base first): chr2-178568023-AC-A. GRCh37 (hg19) VCF-style: chr2-179432750-AC-A.
Other names: c.73185del, p.Leu24395fs (NM_001256850.1); c.50913del, p.Leu16971fs (NM_003319.4); c.70404del, p.Leu23468fs (NM_133378.4); c.51288del, p.Leu17096fs (NM_133432.3); c.51489del, p.Leu17163fs (NM_133437.4); short protein forms L16971fs, L17096fs, L17163fs, L23468fs, L24395fs, L26036fs.
Identifiers: ClinVar variation 3752681 (VCV003752681.2).